The following is an entry in ClinVar:

NM_024753.5(TTC21B):c.534T>C (p.Thr178=)

Genes: TTC21B (tetratricopeptide repeat domain 21B; minus strand), TTC21B-AS1 (TTC21B antisense RNA 1; plus strand). Cytogenetic location: 2q24.3.
Variant type: single nucleotide variant.
Coding change: c.534T>C on transcript NM_024753.5 (MANE Select); coding-DNA position 534, T replaced by C.
Protein change: p.Thr178=; no amino-acid change (threonine 178 retained).
Molecular consequence: synonymous variant.
Genome position (GRCh38, 1-based): chr2:165,943,237, A>G on the plus strand (T>C on the coding strand, the complement: TTC21B is on the minus strand). VCF-style: chr2-165943237-A-G. GRCh37 (hg19) VCF-style: chr2-166799747-A-G.
Identifiers: ClinVar variation 4993778 (VCV004993778.1).

ClinVar aggregate classification (germline): Likely benign (1 of 4 stars; one submission).

Conditions:
TTC21B-related disorder. Also called: TTC21B-related condition; TTC21B-related disorders.

gnomAD v4.1: 3 of 1,613,672 alleles (0.00019%); highest among the groups gnomAD compares: Non-Finnish European, 0.00025%; no homozygotes.

Submission:

PreventionGenetics, part of Exact Sciences
Classification: Likely benign for TTC21B-related condition. Last evaluated: 2026-07-13. Review status: criteria provided, single submitter. Criteria: ACMG Guidelines, 2015. Collection method: clinical testing. Allele origin: germline.
Comment: This variant is classified as likely benign based on ACMG/AMP sequence variant interpretation guidelines (Richards et al. 2015 PMID: 25741868, with internal and published modifications).